The following is an entry in ClinVar:

NM_001723.7(DST):c.3956C>A (p.Ala1319Glu)

Gene: DST (dystonin; minus strand). Cytogenetic location: 6p12.1.
Variant type: single nucleotide variant.
Coding change: c.3956C>A on transcript NM_001723.7 (MANE Plus Clinical); coding-DNA position 3956, C replaced by A.
Protein change: p.Ala1319Glu; replaces alanine 1319 with glutamic acid.
Molecular consequence: missense variant. On other transcripts: intron variant (10).
Genome position (GRCh38, 1-based): chr6:56,620,078, G>T on the plus strand (C>A on the coding strand, the complement: DST is on the minus strand). VCF-style: chr6-56620078-G-T. GRCh37 (hg19) VCF-style: chr6-56484876-G-T.
Other names: c.4830+4452C>A (NM_001144769.5); c.4929+4452C>A (NM_001374722.1, NM_001374736.1); c.4956+4452C>A (NM_001374734.1); c.4416+4452C>A (NM_001144770.2); c.4296+4452C>A (NM_001374730.1, NM_001386100.1, NM_183380.4 and 1 more transcripts); c.3318+4452C>A (NM_015548.5); short protein forms A1319E.
Identifiers: ClinVar variation 357583 (VCV000357583.16), dbSNP rs142302277, ClinGen allele CA3870625.

ClinVar aggregate classification (germline): Likely benign. Review status: criteria provided, multiple submitters, no conflicts (2 of 4 stars). 2 submissions from 2 submitters: Likely benign (2). Last evaluated 2026-09-08.

Conditions:
DST-related disorder. Also called: DST-related disorders; DST-related condition.
Epidermolysis bullosa simplex 3, localized or generalized intermediate, with BP230 deficiency (EBS3). Also called: Epidermolysis bullosa simplex due to BP230 deficiency; Epidermolysis bullosa simplex, autosomal recessive 2. Identifiers: Orphanet 412181, MedGen C3809470, MONDO:0014180, OMIM 615425.
Hereditary sensory and autonomic neuropathy type 6. Also called: HSAN VI; Neuropathy, hereditary sensory and autonomic, type VI. Identifiers: Orphanet 314381, MedGen C3539003, MONDO:0013839, OMIM 614653.

Allele frequency attached by ClinVar (database versions not stated): gnomAD 0.00006 and 0.00008; TOPMed 0.00010; ExAC 0.00012; 1000 Genomes Project 30x 0.00062; 1000 Genomes Project 0.00080.
gnomAD v4.1: 155 of 1,613,516 alleles (0.0096%); highest among the groups gnomAD compares: East Asian, 0.32%; no homozygotes.

Submissions (2):

PreventionGenetics, part of Exact Sciences
Classification: Likely benign for DST-related condition. Last evaluated: 2026-09-08. Review status: criteria provided, single submitter. Criteria: ACMG Guidelines, 2015. Collection method: clinical testing. Allele origin: germline.
Comment: This variant is classified as likely benign based on ACMG/AMP sequence variant interpretation guidelines (Richards et al. 2015 PMID: 25741868, with internal and published modifications).

Labcorp Genetics (formerly Invitae), Labcorp
Classification: Likely benign for Epidermolysis bullosa simplex 3, localized or generalized intermediate, with BP230 deficiency; Hereditary sensory and autonomic neuropathy type 6. Last evaluated: 2024-10-22. Review status: criteria provided, single submitter. Criteria: Invitae Variant Classification Sherloc (09022015). Collection method: clinical testing. Allele origin: germline.